The following is an entry in ClinVar:

ClinVar aggregate classification (germline): Uncertain significance. Review status: criteria provided, multiple submitters, no conflicts (2 of 4 stars). 3 submissions from 3 submitters: Uncertain significance (2). 1 of the submissions does not count toward it. Last evaluated 2024-05-14.

Conditions:
Usher syndrome type 2A. Also called: RETINAL DISEASE IN USHER SYNDROME TYPE IIA, MODIFIER OF; USHER SYNDROME, TYPE IIA. Identifiers: Orphanet 231178, Orphanet 886, MedGen C1848634, MONDO:0010169, OMIM 276901.

Allele frequency attached by ClinVar (database versions not stated): TOPMed below 0.00001; gnomAD exomes 0.00001 and 0.00002; ExAC 0.00002.
gnomAD v4.1: 5 of 1,614,222 alleles (0.00031%); highest among the groups gnomAD compares: Admixed American, 0.0083%; no homozygotes.

Submissions (3):

GeneDx
Classification: Uncertain significance. Last evaluated: 2024-05-14. Review status: criteria provided, single submitter. Criteria: GeneDx Variant Classification Process June 2021. Collection method: clinical testing. Allele origin: germline. Affected: yes.
Comment: In silico analysis supports that this missense variant has a deleterious effect on protein structure/function; Has not been previously published as pathogenic or benign to our knowledge

Labcorp Genetics (formerly Invitae), Labcorp
Classification: Uncertain significance. Last evaluated: 2021-09-07. Review status: criteria provided, single submitter. Criteria: Invitae Variant Classification Sherloc (09022015). Collection method: clinical testing. Allele origin: germline.
Comment: This sequence change replaces glutamine with leucine at codon 5083 of the USH2A protein (p.Gln5083Leu). The glutamine residue is moderately conserved and there is a moderate physicochemical difference between glutamine and leucine. This variant is present in population databases (rs774644535, ExAC 0.02%). This variant has not been reported in the literature in individuals affected with USH2A-related conditions. Algorithms developed to predict the effect of missense changes on protein structure and function are either unavailable or do not agree on the potential impact of this missense change (SIFT: "Deleterious"; PolyPhen-2: "Benign"; Align-GVGD: "Class C0"). In summary, the available evidence is currently insufficient to determine the role of this variant in disease. Therefore, it has been classified as a Variant of Uncertain Significance.

Natera, Inc.
Classification: Uncertain significance for Usher syndrome type 2A. Last evaluated: 2020-01-24. Review status: no assertion criteria provided. Collection method: clinical testing. Allele origin: germline. Not counted in ClinVar's aggregate classification.

NM_206933.4(USH2A):c.15248A>T (p.Gln5083Leu)

Gene: USH2A (usherin; minus strand). Cytogenetic location: 1q41.
Variant type: single nucleotide variant.
Coding change: c.15248A>T on transcript NM_206933.4 (MANE Select); coding-DNA position 15248, A replaced by T.
Protein change: p.Gln5083Leu; replaces glutamine 5083 with leucine.
Molecular consequence: missense variant.
Genome position (GRCh38, 1-based): chr1:215,634,508, T>A on the plus strand (A>T on the coding strand, the complement: USH2A is on the minus strand). VCF-style: chr1-215634508-T-A. GRCh37 (hg19) VCF-style: chr1-215807850-T-A.
Other names: c.15248A>T (NM_206933.2); short protein forms Q5083L.
Identifiers: ClinVar variation 1014883 (VCV001014883.8), dbSNP rs774644535, ClinGen allele CA1392762.